The following is an entry in ClinVar:

ClinVar aggregate classification (germline): Conflicting classifications of pathogenicity. Review status: criteria provided, conflicting classifications (1 of 4 stars). 10 submissions from 10 submitters: Uncertain significance (2); Benign (3); Likely benign (4). 1 of the submissions does not count toward it. Last evaluated 2026-09-01.

Conditions:
Hereditary cancer-predisposing syndrome. Also called: Hereditary neoplastic syndrome; Hereditary Cancer Syndrome; Neoplastic Syndromes, Hereditary; Tumor predisposition. Identifiers: Orphanet 140162, MedGen C0027672, MeSH D009386, MONDO:0015356.
Holoprosencephaly 7 (HPE7). Identifiers: Orphanet 2162, MedGen C1835820, MONDO:0012562, OMIM 610828.
Basal cell carcinoma, susceptibility to, 1. Also called: BCC1. Identifiers: MedGen C2751544, MONDO:0011556, OMIM 605462.
Gorlin syndrome. Also called: Nevoid Basal Cell Carcinoma Syndrome; Basal cell nevus syndrome. Identifiers: Orphanet 377, MedGen C0004779, MONDO:0007187.
PTCH1-related disorder. Also called: PTCH1-related disorders; PTCH1-related condition.

Allele frequency attached by ClinVar (database versions not stated): gnomAD 0.00003; gnomAD exomes 0.00004 and 0.00022; ExAC 0.00011; TOPMed 0.00011.
gnomAD v4.1: 62 of 1,613,902 alleles (0.0038%); highest among the groups gnomAD compares: Admixed American, 0.1%; no homozygotes.

Submissions (10):

CeGaT Center for Human Genetics Tuebingen
Classification: Likely benign. Last evaluated: 2026-09-01. Review status: criteria provided, single submitter. Criteria: CeGaT Center For Human Genetics Tuebingen Variant Classification Criteria Version 2. Collection method: clinical testing. Allele origin: germline. Affected: yes. Observed: 1 variant allele.
Comment: PTCH1: PP3, BS1

Labcorp Genetics (formerly Invitae), Labcorp
Classification: Benign for Gorlin syndrome. Last evaluated: 2026-01-26. Review status: criteria provided, single submitter. Criteria: Invitae Variant Classification Sherloc (09022015). Collection method: clinical testing. Allele origin: germline.

Quest Diagnostics Nichols Institute San Juan Capistrano
Classification: Benign. Last evaluated: 2023-06-01. Review status: criteria provided, single submitter. Criteria: Quest Diagnostics criteria. Collection method: clinical testing. Allele origin: unknown.

Blueprint Genetics
Classification: Likely benign. Last evaluated: 2022-08-02. Review status: criteria provided, single submitter. Criteria: ACMG Guidelines, 2015. Collection method: clinical testing. Allele origin: germline.

Sema4
Classification: Likely benign for Hereditary cancer-predisposing syndrome. Last evaluated: 2022-03-12. Review status: criteria provided, single submitter. Criteria: Sema4 Curation Guidelines. Collection method: curation. Allele origin: germline.

Ambry Genetics
Classification: Benign for Hereditary cancer-predisposing syndrome. Last evaluated: 2021-04-26. Review status: criteria provided, single submitter. Criteria: Ambry Variant Classification Scheme 2023. Collection method: clinical testing. Allele origin: germline.

Fulgent Genetics
Classification: Uncertain significance for Basal cell nevus syndrome 1; Basal cell carcinoma, susceptibility to, 1; Holoprosencephaly 7. Last evaluated: 2018-10-31. Review status: criteria provided, single submitter. Criteria: ACMG Guidelines, 2015. Collection method: clinical testing. Allele origin: unknown.

GeneDx
Classification: Likely benign. Last evaluated: 2018-06-06. Review status: criteria provided, single submitter. Criteria: GeneDx Variant Classification (06012015). Collection method: clinical testing. Allele origin: germline. Affected: yes.
Comment: This variant is considered likely benign or benign based on one or more of the following criteria: it is a conservative change, it occurs at a poorly conserved position in the protein, it is predicted to be benign by multiple in silico algorithms, and/or has population frequency not consistent with disease.

Center for Pediatric Genomic Medicine, Children's Mercy Hospital and Clinics
Classification: Uncertain significance. Last evaluated: 2017-03-09. Review status: criteria provided, single submitter. Criteria: ACMG Guidelines, 2015. Collection method: clinical testing. Allele origin: germline.

PreventionGenetics, part of Exact Sciences
Classification: Likely benign for PTCH1-related condition. Last evaluated: 2023-12-21. Review status: no assertion criteria provided. Collection method: clinical testing. Allele origin: germline. Not counted in ClinVar's aggregate classification.
Comment: This variant is classified as likely benign based on ACMG/AMP sequence variant interpretation guidelines (Richards et al. 2015 PMID: 25741868, with internal and published modifications).

NM_000264.5(PTCH1):c.1989G>C (p.Gln663His)

Genes: PTCH1 (patched 1; minus strand), LOC100507346 (uncharacterized LOC100507346; plus strand). Cytogenetic location: 9q22.32.
Variant type: single nucleotide variant.
Coding change: c.1989G>C on transcript NM_000264.5 (MANE Select); coding-DNA position 1989, G replaced by C.
Protein change: p.Gln663His; replaces glutamine 663 with histidine.
Molecular consequence: missense variant. On other transcripts: non-coding transcript variant (2).
Genome position (GRCh38, 1-based): chr9:95,469,012, C>G on the plus strand (G>C on the coding strand, the complement: PTCH1 is on the minus strand). VCF-style: chr9-95469012-C-G. GRCh37 (hg19) VCF-style: chr9-98231294-C-G.
Other names: c.1791G>C, p.Gln597His (NM_001083602.3); c.1986G>C, p.Gln662His (NM_001083603.3); c.1536G>C, p.Gln512His (NM_001083604.3, NM_001083605.3, NM_001083606.3 and 1 more transcripts); c.1833G>C, p.Gln611His (NM_001354918.2); c.1989G>C (NM_000264.4); short protein forms Q597H, Q663H, Q512H, Q611H, Q662H.
Identifiers: ClinVar variation 237462 (VCV000237462.26), dbSNP rs753002023, ClinGen allele CA5138470.